The following is an entry in ClinVar:

ClinVar aggregate classification (germline): Conflicting classifications of pathogenicity. Review status: criteria provided, conflicting classifications (1 of 4 stars). 4 submissions from 3 submitters: Uncertain significance (2); Likely benign (1). 1 of the submissions does not count toward it. Last evaluated 2018-01-13.

Conditions:
Meckel syndrome, type 2 (MKS2). Also called: MKS2-Related Meckel Syndrome; MECKEL-GRUBER SYNDROME, TYPE 2. Identifiers: Orphanet 564, MedGen C1864148, MONDO:0011296, OMIM 603194.
Joubert syndrome 2 (JBTS2). Also called: CEREBELLOOCULORENAL SYNDROME 2. Identifiers: Orphanet 2318, MedGen C1842577, MONDO:0011963, OMIM 608091.
TMEM216-related disorder. Also called: TMEM216-related disorders; TMEM216-related condition.

Allele frequency attached by ClinVar (database versions not stated): 1000 Genomes Project 30x 0.00016; TOPMed 0.00029.
gnomAD v4.1: 639 of 1,535,426 alleles (0.042%); highest among the groups gnomAD compares: Middle Eastern, 0.052%; 2 homozygotes.

Submissions (4):

Illumina Laboratory Services, Illumina
Classification: Uncertain significance for Joubert syndrome 2. Last evaluated: 2018-01-13. Review status: criteria provided, single submitter. Criteria: ICSL Variant Classification Criteria 13 December 2019. Collection method: clinical testing. Allele origin: germline.

Illumina Laboratory Services, Illumina
Classification: Uncertain significance for Meckel syndrome, type 2. Last evaluated: 2018-01-13. Review status: criteria provided, single submitter. Criteria: ICSL Variant Classification Criteria 13 December 2019. Collection method: clinical testing. Allele origin: germline.

GeneDx
Classification: Likely benign. Last evaluated: 2016-07-21. Review status: criteria provided, single submitter. Criteria: GeneDx Variant Classification (06012015). Collection method: clinical testing. Allele origin: germline. Affected: yes.
Comment: This variant is considered likely benign or benign based on one or more of the following criteria: it is a conservative change, it occurs at a poorly conserved position in the protein, it is predicted to be benign by multiple in silico algorithms, and/or has population frequency not consistent with disease.

PreventionGenetics, part of Exact Sciences
Classification: Likely benign for TMEM216-related condition. Last evaluated: 2021-05-25. Review status: no assertion criteria provided. Collection method: clinical testing. Allele origin: germline. Not counted in ClinVar's aggregate classification.
Comment: This variant is classified as likely benign based on ACMG/AMP sequence variant interpretation guidelines (Richards et al. 2015 PMID: 25741868, with internal and published modifications).

NM_001173990.3(TMEM216):c.-24C>T

Gene: TMEM216 (transmembrane protein 216; plus strand). Cytogenetic location: 11q12.2.
Variant type: single nucleotide variant.
Coding change: c.-24C>T on transcript NM_001173990.3 (MANE Select); 24 bases upstream of the start codon, C replaced by T.
Molecular consequence: 5 prime UTR variant.
Genome position (GRCh38, 1-based): chr11:61,392,608, C>T. VCF-style: chr11-61392608-C-T. GRCh37 (hg19) VCF-style: chr11-61160080-C-T.
Other names: c.-24C>T (NM_001173991.2, NM_001173991.3); c.-221C>T (NM_001330285.2, NM_016499.6).
Identifiers: ClinVar variation 305076 (VCV000305076.7), dbSNP rs59493015, ClinGen allele CA6034687.